The following is an entry in ClinVar:

NM_152743.4(BRAT1):c.2298C>A (p.Asp766Glu)

Gene: BRAT1 (BRCA1 associated ATM activator 1; minus strand). Cytogenetic location: 7p22.3.
Variant type: single nucleotide variant.
Coding change: c.2298C>A on transcript NM_152743.4 (MANE Select); coding-DNA position 2298, C replaced by A.
Protein change: p.Asp766Glu; replaces aspartic acid 766 with glutamic acid.
Molecular consequence: missense variant. On other transcripts: non-coding transcript variant (1).
Genome position (GRCh38, 1-based): chr7:2,538,237, G>T on the plus strand (C>A on the coding strand, the complement: BRAT1 is on the minus strand). VCF-style: chr7-2538237-G-T. GRCh37 (hg19) VCF-style: chr7-2577871-G-T.
Other names: c.2478C>A, p.Asp826Glu (NM_001350626.2); c.1773C>A, p.Asp591Glu (NM_001350627.2); short protein forms D591E, D766E, D826E.
Identifiers: ClinVar variation 958915 (VCV000958915.39), dbSNP rs144085416, ClinGen allele CA4127397.

ClinVar aggregate classification (germline): Uncertain significance. Review status: criteria provided, multiple submitters, no conflicts (2 of 4 stars). 3 submissions from 3 submitters: Uncertain significance (3). Last evaluated 2024-07-15.

Conditions:
Neonatal-onset encephalopathy with rigidity and seizures. Also called: Lethal neonatal spasticity-epileptic encephalopathy syndrome. Identifiers: Orphanet 435845, MedGen C3281029, MONDO:0013784, OMIM 614498.
Inborn genetic diseases. Identifiers: MedGen C0950123, MeSH D030342.

Allele frequency attached by ClinVar (database versions not stated): TOPMed 0.00003; ESP Exome Variant Server 0.00015.
gnomAD v4.1: 92 of 1,609,542 alleles (0.0057%); highest among the groups gnomAD compares: Non-Finnish European, 0.0077%; no homozygotes.

Submissions (3):

Labcorp Genetics (formerly Invitae), Labcorp
Classification: Uncertain significance for Neonatal-onset encephalopathy with rigidity and seizures. Last evaluated: 2024-07-15. Review status: criteria provided, single submitter. Criteria: Invitae Variant Classification Sherloc (09022015). Collection method: clinical testing. Allele origin: germline.
Comment: This sequence change replaces aspartic acid, which is acidic and polar, with glutamic acid, which is acidic and polar, at codon 766 of the BRAT1 protein (p.Asp766Glu). This variant is present in population databases (rs144085416, gnomAD 0.003%). This variant has not been reported in the literature in individuals affected with BRAT1-related conditions. ClinVar contains an entry for this variant (Variation ID: 958915). Advanced modeling of protein sequence and biophysical properties (such as structural, functional, and spatial information, amino acid conservation, physicochemical variation, residue mobility, and thermodynamic stability) performed at Invitae indicates that this missense variant is not expected to disrupt BRAT1 protein function with a negative predictive value of 80%. In summary, the available evidence is currently insufficient to determine the role of this variant in disease. Therefore, it has been classified as a Variant of Uncertain Significance.

Ambry Genetics
Classification: Uncertain significance for Inborn genetic diseases. Last evaluated: 2023-04-18. Review status: criteria provided, single submitter. Criteria: Ambry Variant Classification Scheme 2023. Collection method: clinical testing. Allele origin: germline.

CeGaT Center for Human Genetics Tuebingen
Classification: Uncertain significance. Last evaluated: 2023-03-01. Review status: criteria provided, single submitter. Criteria: CeGaT Center For Human Genetics Tuebingen Variant Classification Criteria Version 2. Collection method: clinical testing. Allele origin: germline. Affected: yes. Observed: 1 variant allele.
Comment: BRAT1: PM2, BP4